The following is an entry in ClinVar:

ClinVar aggregate classification (germline): Uncertain significance (1 of 4 stars; one submission).

Conditions:
ATP2B2-related disorder. Also called: ATP2B2-related condition.

gnomAD v4.1: 37 of 1,613,992 alleles (0.0023%); highest among the groups gnomAD compares: African/African-American, 0.021%; no homozygotes.

Submission:

PreventionGenetics, part of Exact Sciences
Classification: Uncertain significance for ATP2B2-related condition. Last evaluated: 2026-02-11. Review status: criteria provided, single submitter. Criteria: ACMG Guidelines, 2015. Collection method: clinical testing. Allele origin: germline.
Comment: The ATP2B2 c.625G>A variant is predicted to result in the amino acid substitution p.Val209Met. To our knowledge, this variant has not been reported in the literature. This variant is reported in 0.015% of alleles in individuals of East Asian descent in gnomAD, which may be too common to be a primary cause of disease. Although we suspect that this variant may be benign, at this time, the clinical significance of this variant is uncertain due to the absence of conclusive functional and genetic evidence.

NM_001001331.4(ATP2B2):c.625G>A (p.Val209Met)

Gene: ATP2B2 (ATPase plasma membrane Ca2+ transporting 2; minus strand). Cytogenetic location: 3p25.3.
Variant type: single nucleotide variant.
Coding change: c.625G>A on transcript NM_001001331.4 (MANE Select); coding-DNA position 625, G replaced by A.
Protein change: p.Val209Met; replaces valine 209 with methionine.
Molecular consequence: missense variant.
Genome position (GRCh38, 1-based): chr3:10,402,121, C>T on the plus strand (G>A on the coding strand, the complement: ATP2B2 is on the minus strand). VCF-style: chr3-10402121-C-T. GRCh37 (hg19) VCF-style: chr3-10443805-C-T.
Other names: c.625G>A, p.Val209Met (NM_001683.5, NM_001330611.3, NM_001353564.1 and 3 more transcripts); short protein forms V209M.
Identifiers: ClinVar variation 4988229 (VCV004988229.1).
Genomic context (GRCh38, chr3:10,402,121, plus strand): 5'-AGAACCTGGCTCTGTGGCTGGGACACTTACCATATTTGACCTGGGCTATGTCCCCAACCA[C>T]GATCTCAGCCACAGGGATCTGGACCACCTGGCCAGCCCGGACCACGGTAAATTTCTGTTC-3'
Protein context (NP_001001331.1, residues 199-219): QVVQIPVAEI[Val209Met]VGDIAQVKYG